The following is an entry in ClinVar:

NM_032888.4(COL27A1):c.1753C>G (p.Gln585Glu)

Gene: COL27A1 (collagen type XXVII alpha 1 chain; plus strand). Cytogenetic location: 9q32.
Variant type: single nucleotide variant.
Coding change: c.1753C>G on transcript NM_032888.4 (MANE Select); coding-DNA position 1753, C replaced by G.
Protein change: p.Gln585Glu; replaces glutamine 585 with glutamic acid.
Molecular consequence: missense variant.
Genome position (GRCh38, 1-based): chr9:114,169,308, C>G. VCF-style: chr9-114169308-C-G. GRCh37 (hg19) VCF-style: chr9-116931588-C-G.
Other names: short protein forms Q585E.
Identifiers: ClinVar variation 1942739 (VCV001942739.2), dbSNP rs1849141126, ClinGen allele CA374595339.

ClinVar aggregate classification (germline): Uncertain significance (1 of 4 stars; one submission).

Submission:

Labcorp Genetics (formerly Invitae), Labcorp
Classification: Uncertain significance. Last evaluated: 2021-04-10. Review status: criteria provided, single submitter. Criteria: Invitae Variant Classification Sherloc (09022015). Collection method: clinical testing. Allele origin: germline.
Comment: This sequence change replaces glutamine with glutamic acid at codon 585 of the COL27A1 protein (p.Gln585Glu). The glutamine residue is weakly conserved and there is a small physicochemical difference between glutamine and glutamic acid. This variant is not present in population databases (ExAC no frequency). This variant has not been reported in the literature in individuals with COL27A1-related conditions. Advanced modeling of protein sequence and biophysical properties (such as structural, functional, and spatial information, amino acid conservation, physicochemical variation, residue mobility, and thermodynamic stability) performed at Invitae indicates that this missense variant is not expected to disrupt COL27A1 protein function. In summary, the available evidence is currently insufficient to determine the role of this variant in disease. Therefore, it has been classified as a Variant of Uncertain Significance.